The following is an entry in ClinVar:

ClinVar aggregate classification (germline): Likely pathogenic (1 of 4 stars; one submission).

Conditions:
Holoprosencephaly 3 (HPE3). Identifiers: Orphanet 2162, MedGen C1840529, MONDO:0007733, OMIM 142945.

Submission:

Laboratory of Molecular Genetics, CHU Rennes
Classification: Likely pathogenic for Holoprosencephaly 3. Last evaluated: 2025-02-27. Review status: criteria provided, single submitter. Criteria: ACMG Guidelines, 2015. Collection method: clinical testing. Allele origin: maternal. Inheritance: Oligogenic inheritance. Affected: yes.
Comment: The NM_000193.4:c.721T>C, is a missense variant in SHH in the Hint domain (PM1), absent from controls (PM2), predicted pathogenic by prediction tools (PP3).

NM_000193.4(SHH):c.721T>C (p.Phe241Leu)

Gene: SHH (sonic hedgehog signaling molecule; minus strand). Cytogenetic location: 7q36.3.
Variant type: single nucleotide variant.
Coding change: c.721T>C on transcript NM_000193.4 (MANE Select); coding-DNA position 721, T replaced by C.
Protein change: p.Phe241Leu; replaces phenylalanine 241 with leucine.
Molecular consequence: missense variant. On other transcripts: intron variant (1).
Genome position (GRCh38, 1-based): chr7:155,803,568, A>G on the plus strand (T>C on the coding strand, the complement: SHH is on the minus strand). VCF-style: chr7-155803568-A-G. GRCh37 (hg19) VCF-style: chr7-155596262-A-G.
Other names: c.301+2728T>C (NM_001310462.2); short protein forms F241L.
Identifiers: ClinVar variation 3775144 (VCV003775144.1).